The following is an entry in ClinVar:

ClinVar aggregate classification (germline): Pathogenic. Review status: reviewed by expert panel (3 of 4 stars). 7 submissions from 6 submitters: Pathogenic (1). 6 of the submissions do not count toward it. Last evaluated 2022-08-08.

Conditions:
Leigh syndrome due to mitochondrial complex I deficiency. Identifiers: MedGen C1838951.
MT-ND6-related disorder.
Mitochondrial disease. Also called: Mitochondrial disorder; Mitochondrial disorders. Identifiers: Orphanet 68380, MedGen C0751651, MeSH D028361, MONDO:0044970.
Striatal necrosis, bilateral, with dystonia. Identifiers: MedGen C1838954.
Leber optic atrophy (LHON). Also called: Leber hereditary optic neuropathy; Leber's disease; Leber's optic atrophy; Optic Atrophy, Hereditary, Leber. Identifiers: Orphanet 104, MedGen C0917796, MONDO:0010788, OMIM 535000, HP:0001112.
Leigh syndrome (NULS). Also called: Leigh's syndrome; Subacute necrotizing encephalopathy; Necrotizing encephalopathy infantile subacute of Leigh; Leigh's necrotizing encephalopathy; Leigh's disease; LEIGH SYNDROME, NUCLEAR. Identifiers: Orphanet 506, MedGen C2931891, MONDO:0009723, OMIM 256000.

Submissions (7):

ClinGen Mitochondrial Disease Nuclear and Mitochondrial  Variant Curation Expert Panel, ClinGen
Classification: Pathogenic for Mitochondrial disease. Last evaluated: 2022-08-08. Review status: reviewed by expert panel. Criteria: McCormick et al. (Hum Mutat. 2020). Collection method: curation. Allele origin: germline. Inheritance: Mitochondrial inheritance.
Comment: The m.14487T>C (p.M63V) variant in MT-ND6 has been reported in at least 37 unrelated individuals with primary mitochondrial disease (PS4; PMIDs: 30741831, 33706792, 34223155, 32162843, 30461153, 30128709, 30095618, 28122886, 28429146, 27338358, 26530508, 23813926, 23463613, 24126373, 23847141, 23010433, 21364701, 21196529, 19062322, 18977334, 17535832, 16044424, 15625630, 15576045, 14595656, 14520668, 14684687, 20019223). Features seen in affected individuals include Leigh syndrome spectrum and mitochondrial encephalomyopathy, lactic acidosis, and stroke-like episodes (MELAS), as well as ataxia, dystonia, epilepsy, optic neuropathy, and ptosis. Heteroplasmy levels were variable in affected individuals as was age of onset (infancy to adulthood). This variant segregated with disease in multiple affected members in multiple families and several healthy family members had lower to undetectable levels of the variant (PP1_moderate; PMIDs: 14684687,17535832, 20019223, 24126373, 26530508, 28122886). This variant is absent in the GenBank dataset, Helix dataset, and gnomAD v3.1.2 (PM2_supporting). The computational predictor APOGEE gives a consensus rating of pathogenic with a score of 0.9 (Min=0, Max=1), which predicts a damaging effect on gene function (PP3). Cybrid studies have shown independent functional consequences (PS3_moderate) including almost undetectable rotenone-dependent oxygen consumption (PMID 14520668), an overproduction of reactive oxygen species (ROS, PMID 16337195), and decreased complex I activity corresponding with heteroplasmy levels as well as decreased levels of fully assembled complex I (PMID 14595656). In summary, this variant meets criteria to be classified as pathogenic for primary mitochondrial disease inherited in a mitochondrial manner. This classification was approved by the NICHD/NINDS U24 ClinGen Mitochondrial Disease Variant Curation Expert Panel on August 8, 2022. Mitochondrial DNA-specific ACMG/AMP criteria applied (PMID: 32906214): PS4, PP1_moderate, PM2_supporting, PP3, PS3_moderate.

3billion
Classification: Pathogenic for MT-ND6-related disorder. Last evaluated: 2025-10-16. Review status: criteria provided, single submitter. Criteria: ACMG Guidelines, 2015. Collection method: clinical testing. Allele origin: germline. Affected: yes. Not counted in ClinVar's aggregate classification.
Comment: The variant is not observed in the gnomAD v4.1.0 dataset. Predicted Consequence/Location: Mitochondrial variant Functional studies provide moderate evidence of the variant having a damaging effect on the gene or gene product (PMID: 14520668). In silico tool predictions suggest damaging effect of the variant on gene or gene product [APOGEE2: 0.94 (>= 0.716)]. The same nucleotide change resulting in the same amino acid change has been previously reported as pathogenic/likely pathogenic with strong evidence (3billion dataset/ClinVar ID: VCV000009694). The variant has been observed in multiple (>3) similarly affected unrelated individuals (PMID: 30741831, 32162843, 33706792, 34223155). Therefore, this variant is classified as Pathogenic according to the recommendation of ACMG/AMP guideline.

Mendelics
Classification: Pathogenic for Leber optic atrophy. Last evaluated: 2022-05-04. Review status: criteria provided, single submitter. Criteria: Mendelics Assertion Criteria 2019. Collection method: clinical testing. Allele origin: germline. Not counted in ClinVar's aggregate classification.

Wong Mito Lab, Molecular and Human Genetics, Baylor College of Medicine
Classification: Pathogenic for Leigh syndrome. Last evaluated: 2019-10-17. Review status: criteria provided, single submitter. Criteria: Modified ACMG Guidelines (Unpublished). Collection method: clinical testing. Allele origin: germline. Not counted in ClinVar's aggregate classification.
Comment: The NC_012920.1:m.14487T>C (YP_003024037.1:p.Met63Val) variant in MTND6 gene is interpretated to be a Pathogenic variant based on the modified ACMG guidelines (unpublished). This variant meets the following evidence codes: PS1, PS3

OMIM
Classification: Pathogenic for LEIGH SYNDROME DUE TO MITOCHONDRIAL COMPLEX I DEFICIENCY. Last evaluated: 2003-11-01. Review status: no assertion criteria provided. Collection method: literature only. Allele origin: germline. Not counted in ClinVar's aggregate classification.

OMIM
Classification: Pathogenic for STRIATAL NECROSIS, BILATERAL, WITH DYSTONIA. Last evaluated: 2003-11-01. Review status: no assertion criteria provided. Collection method: literature only. Allele origin: germline. Not counted in ClinVar's aggregate classification.

GeneReviews
No classification provided. Condition: Leigh syndrome. Review status: no classification provided. Collection method: literature only. Allele origin: germline. Not counted in ClinVar's aggregate classification.

Literature cited by the submitters: PubMed 35715829 (cited by ClinGen Mitochondrial Disease Nuclear and Mitochondrial  Variant Curation Expert Panel, ClinGen); PubMed 32162843 (cited by 3billion); PubMed 24126373 (cited by 3billion); PubMed 14520668 (cited by 3billion and OMIM); PubMed 20019223 (cited by 3billion); PubMed 17535832 (cited by 3billion); PubMed 14684687 (cited by 3billion); PubMed 26530508 (cited by 3billion); PubMed 28122886 (cited by 3billion); PubMed 34223155 (cited by 3billion); PubMed 30741831 (cited by 3billion); PubMed 33706792 (cited by 3billion); PubMed 14595656 (cited by Wong Mito Lab, Molecular and Human Genetics, Baylor College of Medicine and OMIM); PubMed 16337195 (cited by Wong Mito Lab, Molecular and Human Genetics, Baylor College of Medicine); PubMed 12205655 (cited by OMIM); NCBI Bookshelf NBK1173 (cited by GeneReviews).

NC_012920.1(MT-ND6):m.14487T>C

Gene: MT-ND6 (mitochondrially encoded NADH dehydrogenase 6; minus strand).
Variant type: single nucleotide variant.
Genome position: chrM-14487-T-C.
Other names: 14487T-C.
Identifiers: ClinVar variation 9694 (VCV000009694.10), dbSNP rs199476109, ClinGen allele CA120627.
Genomic context (GRCh38, chrMT:14,487, plus strand): 5'-CCCATGCCTCAGGATACTCCTCAATAGCCATCGCTGTAGTATATCCAAAGACAACCATCA[T>C]TCCCCCTAAATAAATTAAAAAAACTATTAAACCCATATAACCTCCCCCAAAATTCAGAAT-3'